The following is an entry in ClinVar:

NM_001377137.1(GBF1):c.4309C>T (p.Arg1437Cys)

Gene: GBF1 (golgi brefeldin A resistant guanine nucleotide exchange factor 1; plus strand). Cytogenetic location: 10q24.32.
Variant type: single nucleotide variant.
Coding change: c.4309C>T on transcript NM_001377137.1 (MANE Select); coding-DNA position 4309, C replaced by T.
Protein change: p.Arg1437Cys; replaces arginine 1437 with cysteine.
Molecular consequence: missense variant. On other transcripts: non-coding transcript variant (5).
Genome position (GRCh38, 1-based): chr10:102,376,955, C>T. VCF-style: chr10-102376955-C-T. GRCh37 (hg19) VCF-style: chr10-104136712-C-T.
Other names: c.4309C>T, p.Arg1437Cys (NM_001199378.2, NM_001391923.1); c.4306C>T, p.Arg1436Cys (NM_001199379.2, NM_001377141.1, NM_001391924.1 and 3 more transcripts); c.4270C>T, p.Arg1424Cys (NM_001377138.1, NM_001391925.1); c.4012C>T, p.Arg1338Cys (NM_001377139.1, NM_001377140.1); c.4405C>T, p.Arg1469Cys (NM_001391922.1, NM_001411027.1); c.4273C>T, p.Arg1425Cys (NM_001391926.1); c.4165C>T, p.Arg1389Cys (NM_001391928.1); c.4069C>T, p.Arg1357Cys (NM_001391929.1); and 2 more; short protein forms R1357C, R1389C, R1425C, R1437C, R1338C, R1424C, R1310C, R1469C.
Identifiers: ClinVar variation 3098860 (VCV003098860.2), dbSNP rs199931440, ClinGen allele CA5664025.

ClinVar aggregate classification (germline): Conflicting classifications of pathogenicity. Review status: criteria provided, conflicting classifications (1 of 4 stars). 2 submissions from 2 submitters: Uncertain significance (1); Likely benign (1). Last evaluated 2026-06-09.

Allele frequency attached by ClinVar (database versions not stated): ESP Exome Variant Server 0.00008; gnomAD 0.00004; gnomAD exomes 0.00003; TOPMed 0.00003; ExAC 0.00003.
gnomAD v4.1: 50 of 1,613,944 alleles (0.0031%); highest among the groups gnomAD compares: African/African-American, 0.004%; no homozygotes.

Submissions (2):

Women's Health and Genetics/Laboratory Corporation of America, LabCorp
Classification: Likely benign. Last evaluated: 2026-06-09. Review status: criteria provided, single submitter. Criteria: LabCorp Variant Classification Summary - May 2015. Collection method: clinical testing. Allele origin: germline.
Comment: Variant summary: GBF1 c.4306C>T (p.Arg1436Cys) results in a non-conservative amino acid change in the encoded protein sequence. Algorithms developed to predict the effect of missense changes on protein structure and function are either unavailable or do not agree on the potential impact of this missense change. The variant allele was found at a frequency of 3.1e-05 in 1613944 control chromosomes. The observed variant frequency exceeds the estimated maximal expected allele frequency for disease-causing variants in GBF1, providing supporting evidence for a benign role. To our knowledge, no occurrence of c.4306C>T in individuals affected with GBF1-related conditions and no experimental evidence demonstrating its impact on protein function have been reported. ClinVar contains an entry for this variant (Variation ID: 3098860). Based on the evidence outlined above, the variant was classified as likely benign.

Ambry Genetics
Classification: Uncertain significance. Last evaluated: 2023-12-27. Review status: criteria provided, single submitter. Criteria: Ambry Variant Classification Scheme 2023. Collection method: clinical testing. Allele origin: germline.